The following is an entry in ClinVar:

NM_020778.5(ALPK3):c.168C>T (p.His56=)

Gene: ALPK3 (alpha kinase 3; plus strand). Cytogenetic location: 15q25.3.
Variant type: single nucleotide variant.
Coding change: c.168C>T on transcript NM_020778.5 (MANE Select); coding-DNA position 168, C replaced by T.
Protein change: p.His56=; no amino-acid change (histidine 56 retained).
Molecular consequence: synonymous variant.
Genome position (GRCh38, 1-based): chr15:84,823,354, C>T. VCF-style: chr15-84823354-C-T. GRCh37 (hg19) VCF-style: chr15-85366585-C-T.
Identifiers: ClinVar variation 1760447 (VCV001760447.10), dbSNP rs773308589, ClinGen allele CA7708861.
Genomic context (GRCh38, chr15:84,823,354, plus strand): 5'-TTTGGCCTAATGATTCCATTTGCTGTTTTTGCTTAGCTTATCAAGCAACCGGTTGTCTCA[C>T]CCCAGCTCTGGAAGGTAAATGCATATTGCACTACATTTCTCTGACTGCTTTTTCCTTGGG-3'
Protein context (NP_065829.4, residues 46-66): ETSLSSNRLS[His56=]PSSGRSTFCS

ClinVar aggregate classification (germline): Conflicting classifications of pathogenicity. Review status: criteria provided, conflicting classifications (1 of 4 stars). 5 submissions from 5 submitters: Uncertain significance (1); Likely benign (4). Last evaluated 2026-02-04.

Conditions:
ALPK3-related disorder. Also called: ALPK3-related condition.
Cardiovascular phenotype. Identifiers: MedGen CN230736.

Allele frequency attached by ClinVar (database versions not stated): ExAC 0.00002; TOPMed 0.00006; gnomAD 0.00007; gnomAD exomes 0.00010.
gnomAD v4.1: 151 of 1,614,082 alleles (0.0094%); highest among the groups gnomAD compares: Non-Finnish European, 0.0078%; 1 homozygote.

Submissions (5):

Labcorp Genetics (formerly Invitae), Labcorp
Classification: Likely benign. Last evaluated: 2026-02-04. Review status: criteria provided, single submitter. Criteria: Invitae Variant Classification Sherloc (09022015). Collection method: clinical testing. Allele origin: germline.

PreventionGenetics, part of Exact Sciences
Classification: Likely benign for ALPK3-related condition. Last evaluated: 2026-01-12. Review status: criteria provided, single submitter. Criteria: ACMG Guidelines, 2015. Collection method: clinical testing. Allele origin: germline.
Comment: This variant is classified as likely benign based on ACMG/AMP sequence variant interpretation guidelines (Richards et al. 2015 PMID: 25741868, with internal and published modifications).

Molecular Diagnostic Laboratory for Inherited Cardiovascular Disease, Montreal Heart Institute
Classification: Likely benign. Last evaluated: 2025-04-09. Review status: criteria provided, single submitter. Criteria: ACMG Guidelines, 2015. Collection method: clinical testing. Allele origin: germline. Affected: no.
Comment: BP6;BP7

GeneDx
Classification: Uncertain significance. Last evaluated: 2022-06-20. Review status: criteria provided, single submitter. Criteria: GeneDx Variant Classification Process June 2021. Collection method: clinical testing. Allele origin: germline. Affected: yes.
Comment: Has not been previously published as pathogenic or benign to our knowledge; In silico analysis supports that this variant does not alter splicing

Ambry Genetics
Classification: Likely benign for Cardiovascular phenotype. Last evaluated: 2019-08-12. Review status: criteria provided, single submitter. Criteria: Ambry Variant Classification Scheme 2023. Collection method: clinical testing. Allele origin: germline.